The following is an entry in ClinVar:

NM_000303.3(PMM2):c.26G>T (p.Cys9Phe)

Gene: PMM2 (phosphomannomutase 2; plus strand). Cytogenetic location: 16p13.2.
Variant type: single nucleotide variant.
Coding change: c.26G>T on transcript NM_000303.3 (MANE Select); coding-DNA position 26, G replaced by T.
Protein change: p.Cys9Phe; replaces cysteine 9 with phenylalanine.
Molecular consequence: missense variant.
Genome position (GRCh38, 1-based): chr16:8,797,908, G>T. VCF-style: chr16-8797908-G-T. GRCh37 (hg19) VCF-style: chr16-8891765-G-T.
Other names: short protein forms C9F.
Identifiers: ClinVar variation 2429015 (VCV002429015.7), dbSNP rs104894532, ClinGen allele CA394694801.
Genomic context (GRCh38, chr16:8,797,908, plus strand): 5'-ACGTGTCTTGTAAGGTGCGGCTAGAAACTGGGGACATGGCAGCGCCTGGCCCAGCGCTCT[G>T]CCTCTTCGACGTGGATGGGACCCTCACCGCCCCGCGGCAGGTAAGTGGCGGCCGGCGGGC-3'
Protein context (NP_000294.1, residues 1-19): MAAPGPAL[Cys9Phe]LFDVDGTLTA

ClinVar aggregate classification (germline): Likely pathogenic. Review status: criteria provided, multiple submitters, no conflicts (2 of 4 stars). 2 submissions from 2 submitters: Likely pathogenic (2). Last evaluated 2025-10-02.

Conditions:
PMM2-congenital disorder of glycosylation. Also called: PMM2-CDG; CDG Ia; JAEKEN SYNDROME; PHOSPHOMANNOMUTASE 2 DEFICIENCY; CARBOHYDRATE-DEFICIENT GLYCOPROTEIN SYNDROME, TYPE Ia; Congenital disorder of glycosylation, type Ia. Identifiers: Orphanet 79318, MedGen C0349653, MONDO:0008907, OMIM 212065.

Allele frequency attached by ClinVar (database versions not stated): TOPMed below 0.00001; gnomAD 0.00001.
gnomAD v4.1: 14 of 1,611,204 alleles (0.00087%); highest among the groups gnomAD compares: African/African-American, 0.0013%; no homozygotes.

Submissions (2):

Labcorp Genetics (formerly Invitae), Labcorp
Classification: Likely pathogenic for PMM2-congenital disorder of glycosylation. Last evaluated: 2025-10-02. Review status: criteria provided, single submitter. Criteria: Invitae Variant Classification Sherloc (09022015). Collection method: clinical testing. Allele origin: germline.
Comment: This sequence change replaces cysteine, which is neutral and slightly polar, with phenylalanine, which is neutral and non-polar, at codon 9 of the PMM2 protein (p.Cys9Phe). This variant is present in population databases (no rsID available, gnomAD 0.007%). This variant has not been reported in the literature in individuals affected with PMM2-related conditions. ClinVar contains an entry for this variant (Variation ID: 2429015). Invitae Evidence Modeling of protein sequence and biophysical properties (such as structural, functional, and spatial information, amino acid conservation, physicochemical variation, residue mobility, and thermodynamic stability) indicates that this missense variant is expected to disrupt PMM2 protein function with a positive predictive value of 95%. This variant disrupts the p.Cys9 amino acid residue in PMM2. Other variant(s) that disrupt this residue have been determined to be pathogenic (PMID: 10922383, 11715002). This suggests that this residue is clinically significant, and that variants that disrupt this residue are likely to be disease-causing. In summary, the currently available evidence indicates that the variant is pathogenic, but additional data are needed to prove that conclusively. Therefore, this variant has been classified as Likely Pathogenic.

Greenwood Genetic Center Diagnostic Laboratories, Greenwood Genetic Center
Classification: Likely pathogenic for PMM2-congenital disorder of glycosylation. Last evaluated: 2022-12-06. Review status: criteria provided, single submitter. Criteria: ACMG Guidelines, 2015. Collection method: clinical testing. Allele origin: germline. Affected: yes.
Comment: PM2, PM5, PM3, PP3

Literature cited by the submitters: PubMed 10922383 (cited by Labcorp Genetics (formerly Invitae), Labcorp); PubMed 11715002 (cited by Labcorp Genetics (formerly Invitae), Labcorp).